The following is an entry in ClinVar:

NM_000432.4(MYL2):c.278C>T (p.Ala93Val)

Gene: MYL2 (myosin light chain 2; minus strand). Cytogenetic location: 12q24.11.
Variant type: single nucleotide variant.
Coding change: c.278C>T on transcript NM_000432.4 (MANE Select); coding-DNA position 278, C replaced by T.
Protein change: p.Ala93Val; replaces alanine 93 with valine.
Molecular consequence: missense variant.
Genome position (GRCh38, 1-based): chr12:110,913,321, G>A on the plus strand (C>T on the coding strand, the complement: MYL2 is on the minus strand). VCF-style: chr12-110913321-G-A. GRCh37 (hg19) VCF-style: chr12-111351125-G-A.
Other names: short protein forms A93V.
Identifiers: ClinVar variation 532779 (VCV000532779.11), dbSNP rs774193307, ClinGen allele CA041332.

ClinVar aggregate classification (germline): Uncertain significance. Review status: criteria provided, multiple submitters, no conflicts (2 of 4 stars). 3 submissions from 3 submitters: Uncertain significance (3). Last evaluated 2025-05-29.

Conditions:
Hypertrophic cardiomyopathy 10. Also called: MYL2-Related Familial Hypertrophic Cardiomyopathy; CARDIOMYOPATHY, HYPERTROPHIC, MID-LEFT VENTRICULAR CHAMBER TYPE, 2. Identifiers: MedGen C1834460, MONDO:0012112, OMIM 608758.

Allele frequency attached by ClinVar (database versions not stated): ExAC 0.00001; gnomAD exomes 0.00001.
gnomAD v4.1: 2 of 1,614,168 alleles (0.00012%); highest among the groups gnomAD compares: Non-Finnish European, 0.000085%; no homozygotes.

Submissions (3):

3billion
Classification: Uncertain significance for Hypertrophic cardiomyopathy 10. Last evaluated: 2025-05-29. Review status: criteria provided, single submitter. Criteria: ACMG Guidelines, 2015. Collection method: clinical testing. Allele origin: germline. Affected: yes.
Comment: The variant is observed at an extremely low frequency in the gnomAD v4.1.0 dataset (total allele frequency: <0.001%). Predicted Consequence/Location: Missense variant In silico tool predictions suggest damaging effect of the variant on gene or gene product [REVEL: 0.81 (>=0.6, sensitivity 0.68 and specificity 0.92); 3Cnet: 0.95 (> 0.75, sensitivity 0.96 and precision 0.92)]. The same nucleotide change resulting in the same amino acid change has been previously reported to be associated with MYL2-related disorder (PMID: 24111713). However, the evidence of pathogenicity is insufficient at this time. A different missense change at the same codon (p.Ala93Glu) has been reported to be associated with MYL2-related disorder (ClinVar ID: VCV000858021). Therefore, this variant is classified as VUS according to the recommendation of ACMG/AMP guideline.

Labcorp Genetics (formerly Invitae), Labcorp
Classification: Uncertain significance for Hypertrophic cardiomyopathy 10. Last evaluated: 2025-05-04. Review status: criteria provided, single submitter. Criteria: Invitae Variant Classification Sherloc (09022015). Collection method: clinical testing. Allele origin: germline.
Comment: This sequence change replaces alanine, which is neutral and non-polar, with valine, which is neutral and non-polar, at codon 93 of the MYL2 protein (p.Ala93Val). This variant is present in population databases (rs774193307, gnomAD 0.004%). This missense change has been observed in individuals with hypertrophic cardiomyopathy (PMID: 24111713, 37652022). ClinVar contains an entry for this variant (Variation ID: 532779). An algorithm developed to predict the effect of missense changes on protein structure and function (PolyPhen-2) suggests that this variant is likely to be tolerated. In summary, the available evidence is currently insufficient to determine the role of this variant in disease. Therefore, it has been classified as a Variant of Uncertain Significance.

Blueprint Genetics
Classification: Uncertain significance. Last evaluated: 2024-01-23. Review status: criteria provided, single submitter. Criteria: ACMG Guidelines, 2015. Collection method: clinical testing. Allele origin: germline.

Literature cited by the submitters: PubMed 24111713 (cited by 3billion and Labcorp Genetics (formerly Invitae), Labcorp); PubMed 37652022 (cited by Labcorp Genetics (formerly Invitae), Labcorp).